The following is an entry in ClinVar:

NM_144596.4(TTC8):c.988G>A (p.Ala330Thr)

Gene: TTC8 (tetratricopeptide repeat domain 8; plus strand). Cytogenetic location: 14q31.3.
Variant type: single nucleotide variant.
Coding change: c.988G>A on transcript NM_144596.4 (MANE Select); coding-DNA position 988, G replaced by A.
Protein change: p.Ala330Thr; replaces alanine 330 with threonine.
Molecular consequence: missense variant. On other transcripts: non-coding transcript variant (1).
Genome position (GRCh38, 1-based): chr14:88,870,137, G>A. VCF-style: chr14-88870137-G-A. GRCh37 (hg19) VCF-style: chr14-89336481-G-A.
Other names: c.1036G>A, p.Ala346Thr (NM_001288781.1); c.394G>A, p.Ala132Thr (NM_001288782.1); c.271G>A, p.Ala91Thr (NM_001288783.1); c.958G>A, p.Ala320Thr (NM_001366535.2, NM_198309.3); c.868G>A, p.Ala290Thr (NM_001366536.2, NM_198310.3); c.988G>A (NM_144596.3); c.958G>A (NM_198309.2); short protein forms A330T, A132T, A320T, A91T, A290T, A346T.
Identifiers: ClinVar variation 857791 (VCV000857791.13), dbSNP rs568563702, ClinGen allele CA264572735.
Genomic context (GRCh38, chr14:88,870,137, plus strand): 5'-TCAGCAGCAGAATATTACAAAGAAGTTTTGAAACAAGACAATACTCATGTGGAAGCCATC[G>A]CATGCATTGGAAGCAACCACTTCTATTCTGATCAGCCAGAAATAGCTCTCCGGTTTTACA-3'
Protein context (NP_653197.2, residues 320-340): KQDNTHVEAI[Ala330Thr]CIGSNHFYSD

ClinVar aggregate classification (germline): Uncertain significance. Review status: criteria provided, multiple submitters, no conflicts (2 of 4 stars). 5 submissions from 5 submitters: Uncertain significance (4). 1 of the submissions does not count toward it. Last evaluated 2026-01-05.

Conditions:
Bardet-Biedl syndrome (BBS). Identifiers: Orphanet 110, MedGen C0752166, MONDO:0015229.
TTC8-related disorder. Also called: TTC8-related condition.
Inborn genetic diseases. Identifiers: MedGen C0950123, MeSH D030342.
Bardet-Biedl syndrome 8 (BBS8). Identifiers: Orphanet 110, MedGen C1859566, MONDO:0014436, OMIM 615985.
Retinitis pigmentosa 51 (RP51). Identifiers: Orphanet 791, MedGen C3150715, MONDO:0013274, OMIM 613464.

Allele frequency attached by ClinVar (database versions not stated): gnomAD 0.00001; TOPMed 0.00001; gnomAD exomes 0.00002; 1000 Genomes Project 30x 0.00016; 1000 Genomes Project 0.00020.
gnomAD v4.1: 9 of 1,614,026 alleles (0.00056%); highest among the groups gnomAD compares: East Asian, 0.016%; no homozygotes.

Submissions (5):

Labcorp Genetics (formerly Invitae), Labcorp
Classification: Uncertain significance for Bardet-Biedl syndrome. Last evaluated: 2026-01-05. Review status: criteria provided, single submitter. Criteria: Invitae Variant Classification Sherloc (09022015). Collection method: clinical testing. Allele origin: germline.
Comment: This sequence change replaces alanine, which is neutral and non-polar, with threonine, which is neutral and polar, at codon 320 of the TTC8 protein (p.Ala320Thr). This variant is present in population databases (rs568563702, gnomAD 0.03%). This variant has not been reported in the literature in individuals affected with TTC8-related conditions. ClinVar contains an entry for this variant (Variation ID: 857791). Invitae Evidence Modeling of protein sequence and biophysical properties (such as structural, functional, and spatial information, amino acid conservation, physicochemical variation, residue mobility, and thermodynamic stability) indicates that this missense variant is expected to disrupt TTC8 protein function with a positive predictive value of 80%. In summary, the available evidence is currently insufficient to determine the role of this variant in disease. Therefore, it has been classified as a Variant of Uncertain Significance.

Blueprint Genetics
Classification: Uncertain significance. Last evaluated: 2024-05-03. Review status: criteria provided, single submitter. Criteria: ACMG Guidelines, 2015. Collection method: clinical testing. Allele origin: germline.

Ambry Genetics
Classification: Uncertain significance for Inborn genetic diseases. Last evaluated: 2023-08-02. Review status: criteria provided, single submitter. Criteria: Ambry Variant Classification Scheme 2023. Collection method: clinical testing. Allele origin: germline.

Fulgent Genetics
Classification: Uncertain significance for Retinitis pigmentosa 51; Bardet-Biedl syndrome 8. Last evaluated: 2022-03-05. Review status: criteria provided, single submitter. Criteria: ACMG Guidelines, 2015. Collection method: clinical testing. Allele origin: unknown.

PreventionGenetics, part of Exact Sciences
Classification: Uncertain significance for TTC8-related condition. Last evaluated: 2024-05-24. Review status: no assertion criteria provided. Collection method: clinical testing. Allele origin: germline. Not counted in ClinVar's aggregate classification.
Comment: The TTC8 c.988G>A variant is predicted to result in the amino acid substitution p.Ala330Thr. To our knowledge, this variant has not been reported in the literature. This variant is reported in 0.027% of alleles in individuals of East Asian descent in gnomAD. At this time, the clinical significance of this variant is uncertain due to the absence of conclusive functional and genetic evidence.